The following is an entry in ClinVar:

NM_006361.6(HOXB13):c.457G>A (p.Gly153Ser)

Gene: HOXB13 (homeobox B13; minus strand). Cytogenetic location: 17q21.32.
Variant type: single nucleotide variant.
Coding change: c.457G>A on transcript NM_006361.6 (MANE Select); coding-DNA position 457, G replaced by A.
Protein change: p.Gly153Ser; replaces glycine 153 with serine.
Molecular consequence: missense variant.
Genome position (GRCh38, 1-based): chr17:48,728,137, C>T on the plus strand (G>A on the coding strand, the complement: HOXB13 is on the minus strand). VCF-style: chr17-48728137-C-T. GRCh37 (hg19) VCF-style: chr17-46805499-C-T.
Other names: short protein forms G153S.
Identifiers: ClinVar variation 3660286 (VCV003660286.3).

ClinVar aggregate classification (germline): Uncertain significance. Review status: criteria provided, multiple submitters, no conflicts (2 of 4 stars). 2 submissions from 2 submitters: Uncertain significance (2). Last evaluated 2026-07-08.

Conditions:
Hereditary cancer-predisposing syndrome. Also called: Tumor predisposition; Hereditary neoplastic syndrome; Hereditary Cancer Syndrome; Neoplastic Syndromes, Hereditary. Identifiers: Orphanet 140162, MedGen C0027672, MeSH D009386, MONDO:0015356.

Submissions (2):

Ambry Genetics
Classification: Uncertain significance for Hereditary cancer-predisposing syndrome. Last evaluated: 2026-07-08. Review status: criteria provided, single submitter. Criteria: Ambry Variant Classification Scheme 2023. Collection method: clinical testing. Allele origin: germline.
Comment: The p.G153S variant (also known as c.457G>A), located in coding exon 1 of the HOXB13 gene, results from a G to A substitution at nucleotide position 457. The glycine at codon 153 is replaced by serine, an amino acid with similar properties. This amino acid position is highly conserved in available vertebrate species. In addition, the in silico prediction for this alteration is inconclusive. Based on the available evidence, the clinical significance of this variant remains unclear.

Labcorp Genetics (formerly Invitae), Labcorp
Classification: Uncertain significance. Last evaluated: 2024-07-23. Review status: criteria provided, single submitter. Criteria: Invitae Variant Classification Sherloc (09022015). Collection method: clinical testing. Allele origin: germline.
Comment: This sequence change replaces glycine, which is neutral and non-polar, with serine, which is neutral and polar, at codon 153 of the HOXB13 protein (p.Gly153Ser). This variant is present in population databases (rs754280897, gnomAD 0.0009%). This variant has not been reported in the literature in individuals affected with HOXB13-related conditions. Advanced modeling of protein sequence and biophysical properties (such as structural, functional, and spatial information, amino acid conservation, physicochemical variation, residue mobility, and thermodynamic stability) performed at Invitae indicates that this missense variant is not expected to disrupt HOXB13 protein function with a negative predictive value of 80%. In summary, the available evidence is currently insufficient to determine the role of this variant in disease. Therefore, it has been classified as a Variant of Uncertain Significance.